The following is an entry in ClinVar:

ClinVar aggregate classification (germline): Conflicting classifications of pathogenicity. Review status: criteria provided, conflicting classifications (1 of 4 stars). 6 submissions from 6 submitters: Uncertain significance (5); Likely benign (1). Last evaluated 2024-06-28.

Conditions:
Hereditary cancer-predisposing syndrome. Also called: Tumor predisposition; Neoplastic Syndromes, Hereditary; Hereditary Cancer Syndrome; Hereditary neoplastic syndrome. Identifiers: Orphanet 140162, MedGen C0027672, MeSH D009386, MONDO:0015356.
Aplastic anemia. Identifiers: Orphanet 182040, Orphanet 88, MedGen C0002874, MONDO:0015909, OMIM 609135, HP:0001915.
Microcephaly, normal intelligence and immunodeficiency (NBS). Also called: BERLIN BREAKAGE SYNDROME; Ataxia telangiectasia variant V1; IMMUNODEFICIENCY, MICROCEPHALY, AND CHROMOSOMAL INSTABILITY; SEEMANOVA SYNDROME II; Immunodeficiency, microcephaly with normal intelligence; Nijmegen breakage syndrome. Identifiers: Orphanet 647, MedGen C0398791, MONDO:0009623, OMIM 251260.

Allele frequency attached by ClinVar (database versions not stated): gnomAD exomes below 0.00001.
gnomAD v4.1: 7 of 1,575,870 alleles (0.00044%); highest among the groups gnomAD compares: South Asian, 0.0045%; no homozygotes.

Submissions (6):

Labcorp Genetics (formerly Invitae), Labcorp
Classification: Uncertain significance for Microcephaly, normal intelligence and immunodeficiency. Last evaluated: 2024-06-28. Review status: criteria provided, single submitter. Criteria: Invitae Variant Classification Sherloc (09022015). Collection method: clinical testing. Allele origin: germline.
Comment: This sequence change replaces arginine, which is basic and polar, with cysteine, which is neutral and slightly polar, at codon 624 of the NBN protein (p.Arg624Cys). The frequency data for this variant in the population databases is considered unreliable, as metrics indicate poor data quality at this position in the gnomAD database. This variant has not been reported in the literature in individuals affected with NBN-related conditions. ClinVar contains an entry for this variant (Variation ID: 485910). Algorithms developed to predict the effect of missense changes on protein structure and function output the following: SIFT: "Not Available"; PolyPhen-2: "Benign"; Align-GVGD: "Not Available". The cysteine amino acid residue is found in multiple mammalian species, which suggests that this missense change does not adversely affect protein function. Algorithms developed to predict the effect of sequence changes on RNA splicing suggest that this variant may disrupt the consensus splice site. In summary, the available evidence is currently insufficient to determine the role of this variant in disease. Therefore, it has been classified as a Variant of Uncertain Significance.

Baylor Genetics
Classification: Uncertain significance for Aplastic anemia. Last evaluated: 2023-10-08. Review status: criteria provided, single submitter. Criteria: ACMG Guidelines, 2015. Collection method: clinical testing. Allele origin: unknown.

Genome-Nilou Lab
Classification: Uncertain significance for Microcephaly, normal intelligence and immunodeficiency. Last evaluated: 2021-11-07. Review status: criteria provided, single submitter. Criteria: ACMG Guidelines, 2015. Collection method: clinical testing. Allele origin: germline. Affected: no.

Sema4
Classification: Uncertain significance for Hereditary cancer-predisposing syndrome. Last evaluated: 2021-09-25. Review status: criteria provided, single submitter. Criteria: Sema4 Curation Guidelines. Collection method: curation. Allele origin: germline.
Comment: The NBN c.1870C>T (p.R624C) variant has been reported in 6/60466 breast cancer cases and 2/53461 healthy controls from a large breast cancer case control study (PMID: 33471991). It was observed in 1/28484 chromosomes of the South Asian subpopulation in the large and broad cohorts of the Genome Aggregation Database (PMID: 32461654). The variant has been reported in ClinVar (Variation ID: 485910). In silico tools suggest the impact of the variant on protein function is benign, though these predictions have not been confirmed by functional studies. The evidence is insufficient to meet ACMG/AMP criteria for classifying the variant as benign or pathogenic. Thus, the clinical significance of this variant is currently uncertain.

Color Diagnostics, LLC DBA Color Health
Classification: Uncertain significance for Hereditary cancer-predisposing syndrome. Last evaluated: 2021-01-06. Review status: criteria provided, single submitter. Criteria: ACMG Guidelines, 2015. Collection method: clinical testing. Allele origin: germline.
Comment: This missense variant replaces arginine with cysteine at codon 624 of the NBN protein. Computational prediction suggests that this variant may not impact protein structure and function (internally defined REVEL score threshold <= 0.5, PMID: 27666373). To our knowledge, functional studies have not been reported for this variant. This variant has not been reported in individuals affected with hereditary cancer in the literature. This variant has not been identified in the general population by the Genome Aggregation Database (gnomAD). The available evidence is insufficient to determine the role of this variant in disease conclusively. Therefore, this variant is classified as a Variant of Uncertain Significance.

Ambry Genetics
Classification: Likely benign for Hereditary cancer-predisposing syndrome. Last evaluated: 2018-12-03. Review status: criteria provided, single submitter. Criteria: Ambry Variant Classification Scheme 2023. Collection method: clinical testing. Allele origin: germline.

Literature cited by the submitters: PubMed 33471991 (cited by Sema4).

NM_002485.5(NBN):c.1870C>T (p.Arg624Cys)

Genes: NBN (nibrin; minus strand), LOC126860438 (MED14-independent group 3 enhancer GRCh37_chr8:90959982-90961181; plus strand). Cytogenetic location: 8q21.3.
Variant type: single nucleotide variant.
Coding change: c.1870C>T on transcript NM_002485.5 (MANE Select); coding-DNA position 1870, C replaced by T.
Protein change: p.Arg624Cys; replaces arginine 624 with cysteine.
Molecular consequence: missense variant.
Genome position (GRCh38, 1-based): chr8:89,947,868, G>A on the plus strand (C>T on the coding strand, the complement: NBN is on the minus strand). VCF-style: chr8-89947868-G-A. GRCh37 (hg19) VCF-style: chr8-90960096-G-A.
Other names: c.1624C>T, p.Arg542Cys (NM_001024688.3); short protein forms R624C, R542C.
Identifiers: ClinVar variation 485910 (VCV000485910.21), dbSNP rs962092255, ClinGen allele CA181275404.
Genomic context (GRCh38, chr8:89,947,868, plus strand): 5'-ATAAAACGTTTCTCACAGATATTTCTTTAGCTGACCATAGTGAGTCTTCCTTGAGTTCAC[G>A]TTTCTTCCCAATTTCATTTTCTTGCTAAAGAAATAAAATAAAAAATACTGTTCATAGGAG-3'
Protein context (NP_002476.2, residues 614-634): ISQENEIGKK[Arg624Cys]ELKEDSLWSA